The following is an entry in ClinVar:

NM_006767.4(LZTR1):c.976C>G (p.Pro326Ala)

Gene: LZTR1 (leucine zipper like post translational regulator 1; plus strand). Cytogenetic location: 22q11.21.
Variant type: single nucleotide variant.
Coding change: c.976C>G on transcript NM_006767.4 (MANE Select); coding-DNA position 976, C replaced by G.
Protein change: p.Pro326Ala; replaces proline 326 with alanine.
Molecular consequence: missense variant.
Genome position (GRCh38, 1-based): chr22:20,991,812, C>G. VCF-style: chr22-20991812-C-G. GRCh37 (hg19) VCF-style: chr22-21346101-C-G.
Other names: short protein forms P326A.
Identifiers: ClinVar variation 5023763 (VCV005023763.1).

ClinVar aggregate classification (germline): Uncertain significance (1 of 4 stars; one submission).

Conditions:
Cardiovascular phenotype. Identifiers: MedGen CN230736.
Hereditary cancer-predisposing syndrome. Also called: Neoplastic Syndromes, Hereditary; Tumor predisposition; Hereditary neoplastic syndrome; Hereditary Cancer Syndrome. Identifiers: Orphanet 140162, MedGen C0027672, MeSH D009386, MONDO:0015356.

Submission:

Ambry Genetics
Classification: Uncertain significance for Cardiovascular phenotype; Hereditary cancer-predisposing syndrome. Last evaluated: 2026-07-10. Review status: criteria provided, single submitter. Criteria: Ambry Variant Classification Scheme 2023. Collection method: clinical testing. Allele origin: germline.
Comment: The p.P326A variant (also known as c.976C>G), located in coding exon 9 of the LZTR1 gene, results from a C to G substitution at nucleotide position 976. The proline at codon 326 is replaced by alanine, an amino acid with highly similar properties. This amino acid position is conserved. In addition, this alteration is predicted to be tolerated by in silico analysis. Based on the available evidence, the clinical significance of this variant remains unclear.